The following is an entry in ClinVar:

NM_000518.5(HBB):c.328G>A (p.Val110Met)

Genes: HBB (hemoglobin subunit beta; minus strand), LOC107133510 (origin of replication at HBB; plus strand), LOC110006319 (beta-globin gene 3' regulatory region; plus strand). Cytogenetic location: 11p15.4.
Variant type: single nucleotide variant.
Coding change: c.328G>A on transcript NM_000518.5 (MANE Select); coding-DNA position 328, G replaced by A.
Protein change: p.Val110Met; replaces valine 110 with methionine.
Molecular consequence: missense variant.
Genome position (GRCh38, 1-based): chr11:5,225,714, C>T on the plus strand (G>A on the coding strand, the complement: HBB is on the minus strand). VCF-style: chr11-5225714-C-T. GRCh37 (hg19) VCF-style: chr11-5246944-C-T.
Other names: V109M; short protein forms V110M.
Identifiers: ClinVar variation 15342 (VCV000015342.16), dbSNP rs33969677, ClinGen allele CA125147.

ClinVar aggregate classification (germline): Pathogenic. Review status: criteria provided, multiple submitters, no conflicts (2 of 4 stars). 6 submissions from 5 submitters: Pathogenic (3). 3 of the submissions do not count toward it. Last evaluated 2024-08-20.

Conditions:
Erythrocytosis, familial, 6. Also called: ERYTHROCYTOSIS, BETA-GLOBIN TYPE; POLYCYTHEMIA, BETA-GLOBIN TYPE. Identifiers: MedGen C4693822, MONDO:0054801, OMIM 617980.
Hemoglobinopathy. Also called: Hemoglobin disorder; Haemoglobinopathies. Identifiers: MedGen C0019045, MONDO:0044348.
beta Thalassemia (BTHAL). Also called: Cooley's anemia; Erythroblastic anemia; Mediterranean anemia. Identifiers: Orphanet 848, MedGen C0005283, MONDO:0019402. Disease mechanism: loss of function.
HEMOGLOBIN SAN DIEGO.

Allele frequency attached by ClinVar (database versions not stated): gnomAD exomes below 0.00001.
gnomAD v4.1: 2 of 1,614,062 alleles (0.00012%); highest among the groups gnomAD compares: Non-Finnish European, 0.00017%; no homozygotes.

Submissions (6):

ARUP Laboratories, Molecular Genetics and Genomics, ARUP Laboratories
Classification: Pathogenic. Last evaluated: 2024-08-20. Review status: criteria provided, single submitter. Criteria: ARUP Molecular Germline Variant Investigation Process 2024. Collection method: clinical testing. Allele origin: germline.
Comment: The Hb San Diego variant (HBB: c.328G>A; p.Val110Met, also known as Val109Met in the mature protein, rs33969677, ClinVar Variant ID: 15342, HbVarID: 483) has been reported in the heterozygous state in multiple individuals with familial erythrocytosis (Bento 2013, Boster 2019, Camps 2016, Coleman 1993, Gonzalez Fernandez 2009, van Zwieten 2014, Xiong 2019). This variant is absent from the Genome Aggregation Database (v2.1.1), indicating it is not a common polymorphism. Additionally, other variants at this codon (c.328G>C, p.Val110Leu and c.328G>T, p.Val110Leu) have been reported in individuals with familial erythrocytosis (Agarwal 2007, Inoue 2012, Jones 1990). Computational analyses are uncertain whether this variant is neutral or deleterious (REVEL: 0.622). However, functional analyses of the p.Val110Met variant protein show increased oxygen affinity (reduced P50), resulting in reduced oxygen release to the tissue (Anderson 1974, Harkness 1981, Nute 1974). Based on available information, the Hb San Diego variant is considered to be pathogenic. References: Agarwal N et al. Familial polycythemia caused by a novel mutation in the beta globin gene: essential role of P50 in evaluation of familial polycythemia. Int J Med Sci. 2007 Oct 4. PMID: 17952198 Anderson NL. Hemoglobin San Diego (beta 109 (G11) val--met). Crystal structure of the deoxy form. J Clin Invest. 1974 Jan. PMID: 4808645 Bento C et al. Molecular study of congenital erythrocytosis in 70 unrelated patients revealed a potential causal mutation in less than half of the cases (Where is/are the missing gene(s)?). Eur J Haematol. 2013 Oct. PMID: 23859443 Boster J et al. Hemoglobin San Diego: An Uncommon Cause of Hereditary Erythrocytosis Discovered Incidentally in a Military Trainee. Mil Med. 2019 May 1. PMID: 30423154 Camps C et al. Gene panel sequencing improves the diagnostic work-up of patients with idiopathic erythrocytosis and identifies new mutations. Haematologica. 2016 Nov. PMID: 27651169 Coleman MB et al. Hb San Diego [beta 109(G11)Val-->Met] in an Iranian: further evidence for a mutational hot spot at position 109 of the beta-globin gene. Hemoglobin. 1993 Dec. PMID: 8144354 Gonzalez Fernandez FA et al. Haemoglobinopathies with high oxygen affinity. Experience of Erythropathology Cooperative Spanish Group. Ann Hematol. 2009 Mar. PMID: 18818920 Harkness DR et al. Novel studies on a "silent" high affinity mutant hemoglobin (San Diego, beta 109 Val replaced by Met). Hemoglobin. 1981 PMID: 7204093 Inoue S et al. Symptomatic erythrocytosis associated with a compound heterozygosity for Hb Lepore-Boston-Washington (delta87-beta116) and Hb Johnstown [beta109(G11)Val-->Leu, GTG>TTG]. Hemoglobin. 2012 PMID: 22563907 Jones RT et al. Hb Johnstown [beta 109 (G11) Val----Leu]: a new electrophoretically silent variant that causes erythrocytosis. Hemoglobin. 1990 PMID: 2272838 Link to HbVar database: Nute PE et al. Hemoglobinopathic erythrocytosis due to a new electrophoretically silent variant, hemoglobin San Diego (beta109 (G11)val--met). J Clin Invest. 1974 Jan. PMID: 4808644 van Zwieten R et al. Hemoglobin analyses in the Netherlands reveal more than 80 different variants including six novel ones. Hemoglobin. 2014 PMID: 24200101 Xiong H et al. First Description of Hb San Diego (HBB: c.328G>A) in a Chinese Family with Congenital Erythrocytosis. Hemoglobin. 2019 Mar. PMID: 31304856

Quest Diagnostics Nichols Institute San Juan Capistrano
Classification: Pathogenic. Last evaluated: 2022-09-26. Review status: criteria provided, single submitter. Criteria: Quest Diagnostics criteria. Collection method: clinical testing. Allele origin: unknown.
Comment: This variant has not been reported in large, multi-ethnic general populations. In the published literature, the variant has been reported in multiple individuals and families affected with erythrocytosis (PMIDs: 1201208 (1975), 7204093 (1981), 6863429 (1983), 18818920 (2009), 23859443 (2013), and 27651169 (2016). This variant has also been shown to co-segregate with erythrocytosis (PMIDs: 18793248 (2009), 30423154 (2019), and 31304856 (2019)). This variant has also been shown to co-segregate with erythrocytosis (PMIDs: 18793248 (2009) and 30423154 (2019)). Analysis of this variant using bioinformatics tools for the prediction of the effect of amino acid changes on protein structure and function yielded conflicting predictions that this variant is deleterious or benign. Based on the available information, this variant is classified as pathogenic.

Women's Health and Genetics/Laboratory Corporation of America, LabCorp
Classification: Pathogenic for Hemoglobinopathy. Last evaluated: 2021-07-16. Review status: criteria provided, single submitter. Criteria: LabCorp Variant Classification Summary - May 2015. Collection method: clinical testing. Allele origin: germline.
Comment: Variant summary: HBB c.328G>A (p.Val110Met), also known as Hb San Diego, results in a conservative amino acid change in the encoded protein sequence. Five of five in-silico tools predict a benign effect of the variant on protein function. The variant was absent in 251212 control chromosomes. c.328G>A has been reported in the literature in multiple individuals and families affected with idopathic or familial erythrocytosis (Nute_1974, Rumi_2008, Bento_2013, Boster_2019, Camps_2016, Gonzalez Fernandez_2009, Xiong_2019). Additionally, the variant was reported to co-segregate with erythrocytosis in two- and three-generation families in an autosomal dominant manner (Gonzalez Fernandez_2009, Xiong_2019). These data indicate that the variant is very likely to be associated with familial erythrocytosis. P50 values were shown to be reduced in affected indviduals and family members (Nute_1974, Rumi_2008). Two clinical diagnostic laboratories have submitted clinical-significance assessments for this variant to ClinVar after 2014 without evidence for independent evaluation. All laboratories classified the variant as pathogenic/likely pathogenic. To our knowledge, Hb San Diego has not been reported in the homozygous state, in combination with beta thalassemia or other beta globin variants, therefore its pathogenicity in regards to beta thalassemia is unknown. Based on the evidence outlined above, the variant was classified as pathogenic for erythrocytosis.

OMIM
Classification: other for HEMOGLOBIN SAN DIEGO. Last evaluated: 2017-12-12. Review status: no assertion criteria provided. Collection method: literature only. Allele origin: germline. Not counted in ClinVar's aggregate classification.

Counsyl
Classification: Likely pathogenic for beta Thalassemia. Last evaluated: 2015-02-17. Review status: no assertion criteria provided. Collection method: literature only. Allele origin: unknown. Inheritance: Autosomal recessive inheritance. Not counted in ClinVar's aggregate classification.

OMIM
Classification: Pathogenic for ERYTHROCYTOSIS 6. Last evaluated: 1995-01-01. Review status: no assertion criteria provided. Collection method: literature only. Allele origin: germline. Not counted in ClinVar's aggregate classification.

Literature cited by the submitters: PubMed 6863429 (cited by Quest Diagnostics Nichols Institute San Juan Capistrano); PubMed 1201208 (cited by Quest Diagnostics Nichols Institute San Juan Capistrano); PubMed 7615400 (cited by 3 submitters); PubMed 31304856 (cited by Quest Diagnostics Nichols Institute San Juan Capistrano and Women's Health and Genetics/Laboratory Corporation of America, LabCorp); PubMed 30423154 (cited by Quest Diagnostics Nichols Institute San Juan Capistrano and Women's Health and Genetics/Laboratory Corporation of America, LabCorp); PubMed 27651169 (cited by Quest Diagnostics Nichols Institute San Juan Capistrano and Women's Health and Genetics/Laboratory Corporation of America, LabCorp); PubMed 23859443 (cited by 3 submitters); PubMed 18818920 (cited by 3 submitters); PubMed 18793248 (cited by Quest Diagnostics Nichols Institute San Juan Capistrano and Women's Health and Genetics/Laboratory Corporation of America, LabCorp); PubMed 8144354 (cited by Quest Diagnostics Nichols Institute San Juan Capistrano and Women's Health and Genetics/Laboratory Corporation of America, LabCorp); PubMed 3957694 (cited by Quest Diagnostics Nichols Institute San Juan Capistrano and Counsyl); PubMed 7204093 (cited by Quest Diagnostics Nichols Institute San Juan Capistrano and OMIM); PubMed 24200101 (cited by Quest Diagnostics Nichols Institute San Juan Capistrano); PubMed 4808644 (cited by 4 submitters); PubMed 4808645 (cited by Quest Diagnostics Nichols Institute San Juan Capistrano); PubMed 2703368 (cited by OMIM).